The following is an entry in ClinVar:

NM_001037131.3(AGAP1):c.482G>A (p.Arg161Gln)

Gene: AGAP1 (ArfGAP with GTPase domain, ankyrin repeat and PH domain 1; plus strand). Cytogenetic location: 2q37.2.
Variant type: single nucleotide variant.
Coding change: c.482G>A on transcript NM_001037131.3 (MANE Select); coding-DNA position 482, G replaced by A.
Protein change: p.Arg161Gln; replaces arginine 161 with glutamine.
Molecular consequence: missense variant.
Genome position (GRCh38, 1-based): chr2:235,744,783, G>A. VCF-style: chr2-235744783-G-A. GRCh37 (hg19) VCF-style: chr2-236653427-G-A.
Other names: c.482G>A, p.Arg161Gln (NM_001244888.2, NM_001412122.1, NM_014914.5); short protein forms R161Q.
Identifiers: ClinVar variation 2724246 (VCV002724246.3), dbSNP rs538844406, ClinGen allele CA67684056.

ClinVar aggregate classification (germline): Uncertain significance (1 of 4 stars; one submission).

Allele frequency attached by ClinVar (database versions not stated): gnomAD exomes 0.00001; TOPMed below 0.00001.
gnomAD v4.1: 14 of 1,613,854 alleles (0.00087%); highest among the groups gnomAD compares: Middle Eastern, 0.016%; no homozygotes.

Submission:

Labcorp Genetics (formerly Invitae), Labcorp
Classification: Uncertain significance. Last evaluated: 2025-02-10. Review status: criteria provided, single submitter. Criteria: Invitae Variant Classification Sherloc (09022015). Collection method: clinical testing. Allele origin: germline.
Comment: This sequence change replaces arginine, which is basic and polar, with glutamine, which is neutral and polar, at codon 161 of the AGAP1 protein (p.Arg161Gln). The frequency data for this variant in the population databases is considered unreliable, as metrics indicate poor data quality at this position in the gnomAD database. This variant has not been reported in the literature in individuals affected with AGAP1-related conditions. ClinVar contains an entry for this variant (Variation ID: 2724246). An algorithm developed to predict the effect of missense changes on protein structure and function (PolyPhen-2) suggests that this variant is likely to be tolerated. In summary, the available evidence is currently insufficient to determine the role of this variant in disease. Therefore, it has been classified as a Variant of Uncertain Significance.